The following is an entry in ClinVar:

ClinVar aggregate classification (germline): Uncertain significance (1 of 4 stars; one submission).

Allele frequency attached by ClinVar (database versions not stated): TOPMed below 0.00001.

Submission:

GeneDx
Classification: Uncertain significance. Last evaluated: 2022-08-02. Review status: criteria provided, single submitter. Criteria: GeneDx Variant Classification Process June 2021. Collection method: clinical testing. Allele origin: germline. Affected: yes.
Comment: Not observed at significant frequency in large population cohorts (gnomAD); In silico analysis supports that this missense variant has a deleterious effect on protein structure/function; Has not been previously published as pathogenic or benign to our knowledge; Although located in a calcium-binding EGF-like domain of the FBN2 gene, it does not substitute or introduce a cysteine residue (Callewaert et al., 2009; Frederic et al., 2009); This variant is associated with the following publications: (PMID: 18767143, 19006240)

NM_001999.4(FBN2):c.3475A>T (p.Ile1159Phe)

Gene: FBN2 (fibrillin 2; minus strand). Cytogenetic location: 5q23.3.
Variant type: single nucleotide variant.
Coding change: c.3475A>T on transcript NM_001999.4 (MANE Select); coding-DNA position 3475, A replaced by T.
Protein change: p.Ile1159Phe; replaces isoleucine 1159 with phenylalanine.
Molecular consequence: missense variant.
Genome position (GRCh38, 1-based): chr5:128,338,120, T>A on the plus strand (A>T on the coding strand, the complement: FBN2 is on the minus strand). VCF-style: chr5-128338120-T-A. GRCh37 (hg19) VCF-style: chr5-127673812-T-A.
Other names: short protein forms I1159F.
Identifiers: ClinVar variation 1700346 (VCV001700346.2), dbSNP rs765793736, ClinGen allele CA360759605.
Genomic context (GRCh38, chr5:128,338,120, plus strand): 5'-CCTCAGTGTTCACACAGGTGCCACCCCTACAAAGGAGAGGGTTACGTTCACATTCGTCAA[T>A]GTCTGAAAGGTAAAAACGTGAGATCCATTAAAGAACTCTGAGGGAAAAATATTCACACAT-3'
Protein context (NP_001990.2, residues 1149-1169): GFMMMKNCMD[Ile1159Phe]DECERNPLLC